The following is an entry in ClinVar:

ClinVar aggregate classification (germline): Likely pathogenic (1 of 4 stars; one submission).

Submission:

Labcorp Genetics (formerly Invitae), Labcorp
Classification: Likely pathogenic. Last evaluated: 2021-11-09. Review status: criteria provided, single submitter. Criteria: Invitae Variant Classification Sherloc (09022015). Collection method: clinical testing. Allele origin: germline.
Comment: In summary, the currently available evidence indicates that the variant is pathogenic, but additional data are needed to prove that conclusively. Therefore, this variant has been classified as Likely Pathogenic. Algorithms developed to predict the effect of sequence changes on RNA splicing suggest that this variant may create or strengthen a splice site. This premature translational stop signal has been observed in individual(s) with clinical features of NOTCH3-related conditions (Invitae). In at least one individual the variant was observed to be de novo. This variant is not present in population databases (gnomAD no frequency). This sequence change creates a premature translational stop signal (p.Ser2100*) in the NOTCH3 gene. While this is not anticipated to result in nonsense mediated decay, it is expected to disrupt the last 222 amino acid(s) of the NOTCH3 protein.

NM_000435.3(NOTCH3):c.6299C>A (p.Ser2100Ter)

Gene: NOTCH3 (notch receptor 3; minus strand). Cytogenetic location: 19p13.12.
Variant type: single nucleotide variant.
Coding change: c.6299C>A on transcript NM_000435.3 (MANE Select); coding-DNA position 6299, C replaced by A.
Protein change: p.Ser2100Ter; replaces serine 2100 with a stop codon.
Molecular consequence: nonsense.
Genome position (GRCh38, 1-based): chr19:15,161,329, G>T on the plus strand (C>A on the coding strand, the complement: NOTCH3 is on the minus strand). VCF-style: chr19-15161329-G-T. GRCh37 (hg19) VCF-style: chr19-15272140-G-T.
Other names: short protein forms S2100*.
Identifiers: ClinVar variation 1475865 (VCV001475865.6), dbSNP rs2145382111, ClinGen allele CA404489102.
Genomic context (GRCh38, chr19:15,161,329, plus strand): 5'-CCACCAGGGGAAGCAGGGGGCCCACCGAAAGGCCGCGGGGAGTCCAGCGAGTCCACGGGC[G>T]ACAGCGTGACCGAGCTGTCAGCCAGGGGGCCCGGGCAGGCCAGCGTCAGCTTCTTGCCCC-3'